The following is an entry in ClinVar:

ClinVar aggregate classification (germline): Uncertain significance (1 of 4 stars; one submission).

Submission:

Labcorp Genetics (formerly Invitae), Labcorp
Classification: Uncertain significance. Last evaluated: 2024-01-02. Review status: criteria provided, single submitter. Criteria: Invitae Variant Classification Sherloc (09022015). Collection method: clinical testing. Allele origin: germline.
Comment: This sequence change creates a premature translational stop signal (p.Pro423Leufs*67) in the BCL11B gene. While this is not anticipated to result in nonsense mediated decay, it is expected to disrupt the last 472 amino acid(s) of the BCL11B protein. This variant is not present in population databases (gnomAD no frequency). This variant has not been reported in the literature in individuals affected with BCL11B-related conditions. In summary, the available evidence is currently insufficient to determine the role of this variant in disease. Therefore, it has been classified as a Variant of Uncertain Significance.

NM_138576.4(BCL11B):c.1267_1268insTTGCTCTCCCATGCCCCCTGGCGGCACGCCGCCCCCGCAGCCGC (p.Pro423fs)

Gene: BCL11B (BCL11 transcription factor B; minus strand). Cytogenetic location: 14q32.2.
Variant type: Insertion.
Coding change: c.1267_1268insTTGCTCTCCCATGCCCCCTGGCGGCACGCCGCCCCCGCAGCCGC on transcript NM_138576.4 (MANE Select); coding-DNA positions 1267 to 1268, TTGCTCTCCCATGCCCCCTGGCGGCACGCCGCCCCCGCAGCCGC inserted.
Protein change: p.Pro423fs; shifts the reading frame from proline 423.
Molecular consequence: frameshift variant.
Genome position: GRCh38: chr14:99,175,605-99,175,606. GRCh37 (hg19): chr14:99,641,942-99,641,943.
Other names: c.1264_1265insTTGCTCTCCCATGCCCCCTGGCGGCACGCCGCCCCCGCAGCCGC, p.Pro422fs (NM_001282237.2); c.1051_1052insTTGCTCTCCCATGCCCCCTGGCGGCACGCCGCCCCCGCAGCCGC, p.Pro351fs (NM_001282238.2); c.1054_1055insTTGCTCTCCCATGCCCCCTGGCGGCACGCCGCCCCCGCAGCCGC, p.Pro352fs (NM_022898.3); short protein forms P423fs, P351fs, P352fs, P422fs.
Identifiers: ClinVar variation 2761061 (VCV002761061.3), dbSNP rs2503647444, ClinGen allele CA2697554145.